The following is an entry in ClinVar:

NM_013275.6(ANKRD11):c.3219_3220del (p.Asp1073fs)

Gene: ANKRD11 (ankyrin repeat domain 11; minus strand). Cytogenetic location: 16q24.3.
Variant type: Deletion.
Coding change: c.3219_3220del on transcript NM_013275.6 (MANE Select); coding-DNA positions 3219 to 3220, 2 bases deleted (CA; older notation c.3219_3220delCA).
Protein change: p.Asp1073fs; shifts the reading frame from aspartic acid 1073.
Molecular consequence: frameshift variant.
Genome position (GRCh38, 1-based): chr16:89,283,322-89,283,323, TG deleted on the plus strand (CA on the coding strand, the reverse complement: ANKRD11 is on the minus strand); deleting any 2 consecutive bases within chr16:89,283,322-89,283,324 gives the same sequence; the c. name uses the placement nearest the transcript's 3' end. VCF-style (leftmost placement, unchanged base first): chr16-89283321-TTG-T. GRCh37 (hg19) VCF-style: chr16-89349729-TTG-T.
Other names: c.3219_3220del, p.Asp1073fs (NM_001256182.2, NM_001256183.2); short protein forms D1073fs.
Identifiers: ClinVar variation 838272 (VCV000838272.3), dbSNP rs2034416153, ClinGen allele CA916083512.

ClinVar aggregate classification (germline): Pathogenic (1 of 4 stars; one submission).

Conditions:
KBG syndrome (KBGS). Also called: ANKRD11-Related KBG Syndrome. Identifiers: Orphanet 2332, MedGen C0220687, MONDO:0007846, OMIM 148050.

Submission:

Labcorp Genetics (formerly Invitae), Labcorp
Classification: Pathogenic for KBG syndrome. Last evaluated: 2019-11-27. Review status: criteria provided, single submitter. Criteria: Invitae Variant Classification Sherloc (09022015). Collection method: clinical testing. Allele origin: germline.
Comment: This sequence change creates a premature translational stop signal (p.Asp1073Glufs*28) in the ANKRD11 gene. It is expected to result in an absent or disrupted protein product. This variant is not present in population databases (ExAC no frequency). This variant has not been reported in the literature in individuals with ANKRD11-related conditions. Loss-of-function variants in ANKRD11 are known to be pathogenic (PMID: 21782149, 25125236, 25413698, 25652421). For these reasons, this variant has been classified as Pathogenic.

Literature cited by the submitters: PubMed 21782149; PubMed 25125236; PubMed 25413698; PubMed 25652421.